The following is an entry in ClinVar:

ClinVar aggregate classification (germline): Uncertain significance (1 of 4 stars; one submission).

Allele frequency attached by ClinVar (database versions not stated): TOPMed below 0.00001.
gnomAD v4.1: 2 of 1,614,090 alleles (0.00012%); highest among the groups gnomAD compares: Non-Finnish European, 0.000085%; no homozygotes.

Submission:

Labcorp Genetics (formerly Invitae), Labcorp
Classification: Uncertain significance. Last evaluated: 2022-07-05. Review status: criteria provided, single submitter. Criteria: Invitae Variant Classification Sherloc (09022015). Collection method: clinical testing. Allele origin: germline.
Comment: This sequence change replaces alanine, which is neutral and non-polar, with threonine, which is neutral and polar, at codon 1377 of the ERCC6 protein (p.Ala1377Thr). This variant is not present in population databases (gnomAD no frequency). This variant has not been reported in the literature in individuals affected with ERCC6-related conditions. ClinVar contains an entry for this variant (Variation ID: 1491225). Algorithms developed to predict the effect of missense changes on protein structure and function output the following: SIFT: "Tolerated"; PolyPhen-2: "Benign"; Align-GVGD: "Class C0". The threonine amino acid residue is found in multiple mammalian species, which suggests that this missense change does not adversely affect protein function. In summary, the available evidence is currently insufficient to determine the role of this variant in disease. Therefore, it has been classified as a Variant of Uncertain Significance.

NM_000124.4(ERCC6):c.4129G>A (p.Ala1377Thr)

Gene: ERCC6 (ERCC excision repair 6, chromatin remodeling factor; minus strand). Cytogenetic location: 10q11.23.
Variant type: single nucleotide variant.
Coding change: c.4129G>A on transcript NM_000124.4 (MANE Select); coding-DNA position 4129, G replaced by A.
Protein change: p.Ala1377Thr; replaces alanine 1377 with threonine.
Molecular consequence: missense variant.
Genome position (GRCh38, 1-based): chr10:49,459,168, C>T on the plus strand (G>A on the coding strand, the complement: ERCC6 is on the minus strand). VCF-style: chr10-49459168-C-T. GRCh37 (hg19) VCF-style: chr10-50667214-C-T.
Other names: c.4129G>A, p.Ala1377Thr (NM_001346440.2); short protein forms A1377T.
Identifiers: ClinVar variation 1491225 (VCV001491225.3), dbSNP rs781538914, ClinGen allele CA376704362.